The following is an entry in ClinVar:

ClinVar aggregate classification (germline): Uncertain significance. Review status: criteria provided, multiple submitters, no conflicts (2 of 4 stars). 2 submissions from 2 submitters: Uncertain significance (2). Last evaluated 2024-02-09.

Conditions:
Charcot-Marie-Tooth disease. Also called: Charcot-Marie-Tooth Hereditary Neuropathy; Charcot-Marie-Tooth Neuropathy. Identifiers: Orphanet 166, MedGen C0007959, MONDO:0015626.
Charcot-Marie-Tooth disease type 2E (CMT2E). Also called: CHARCOT-MARIE-TOOTH DISEASE, AXONAL, TYPE 2E; CHARCOT-MARIE-TOOTH NEUROPATHY, TYPE 2E. Identifiers: Orphanet 99939, MedGen C1843225, MONDO:0011894, OMIM 607684.

gnomAD v4.1: 3 of 1,614,032 alleles (0.00019%); highest among the groups gnomAD compares: Non-Finnish European, 0.00025%; no homozygotes.

Submissions (2):

Labcorp Genetics (formerly Invitae), Labcorp
Classification: Uncertain significance for Charcot-Marie-Tooth disease type 2E. Last evaluated: 2024-02-09. Review status: criteria provided, single submitter. Criteria: Invitae Variant Classification Sherloc (09022015). Collection method: clinical testing. Allele origin: germline.
Comment: This sequence change replaces serine, which is neutral and polar, with arginine, which is basic and polar, at codon 415 of the NEFL protein (p.Ser415Arg). This variant is not present in population databases (gnomAD no frequency). This variant has not been reported in the literature in individuals affected with NEFL-related conditions. ClinVar contains an entry for this variant (Variation ID: 916901). Advanced modeling of protein sequence and biophysical properties (such as structural, functional, and spatial information, amino acid conservation, physicochemical variation, residue mobility, and thermodynamic stability) performed at Invitae indicates that this missense variant is not expected to disrupt NEFL protein function with a negative predictive value of 80%. In summary, the available evidence is currently insufficient to determine the role of this variant in disease. Therefore, it has been classified as a Variant of Uncertain Significance.

Molecular Genetics Laboratory, London Health Sciences Centre
Classification: Uncertain significance for Charcot-Marie-Tooth disease. Review status: criteria provided, single submitter. Criteria: ACMG Guidelines, 2015. Collection method: clinical testing. Allele origin: germline. Affected: yes.

NM_006158.5(NEFL):c.1245C>G (p.Ser415Arg)

Gene: NEFL (neurofilament light chain; minus strand). Cytogenetic location: 8p21.2.
Variant type: single nucleotide variant.
Coding change: c.1245C>G on transcript NM_006158.5 (MANE Select); coding-DNA position 1245, C replaced by G.
Protein change: p.Ser415Arg; replaces serine 415 with arginine.
Molecular consequence: missense variant.
Genome position (GRCh38, 1-based): chr8:24,953,720, G>C on the plus strand (C>G on the coding strand, the complement: NEFL is on the minus strand). VCF-style: chr8-24953720-G-C. GRCh37 (hg19) VCF-style: chr8-24811234-G-C.
Other names: short protein forms S415R.
Identifiers: ClinVar variation 916901 (VCV000916901.3), dbSNP rs1803003337, ClinGen allele CA370620425.
Genomic context (GRCh38, chr8:24,953,720, plus strand): 5'-GGACATCAGATAGGAGCTGGTCTGTAAACCGCCGTAGGCAGATCGGCCAAAGACCTGGGA[G>C]CTCTGGGAGTAGCCACTGGTTATGCTTCCCACGCTGGTGAAACTGAGTCGGGTCTCCTCG-3'
Protein context (NP_006149.2, residues 405-425): VGSITSGYSQ[Ser415Arg]SQVFGRSAYG